The following is an entry in ClinVar:

NM_022916.6(VPS33A):c.991G>A (p.Val331Met)

Gene: VPS33A (VPS33A core subunit of CORVET and HOPS complexes; minus strand). Cytogenetic location: 12q24.31.
Variant type: single nucleotide variant.
Coding change: c.991G>A on transcript NM_022916.6 (MANE Select); coding-DNA position 991, G replaced by A.
Protein change: p.Val331Met; replaces valine 331 with methionine.
Molecular consequence: missense variant. On other transcripts: intron variant (1).
Genome position (GRCh38, 1-based): chr12:122,242,487, C>T on the plus strand (G>A on the coding strand, the complement: VPS33A is on the minus strand). VCF-style: chr12-122242487-C-T. GRCh37 (hg19) VCF-style: chr12-122727034-C-T.
Other names: c.958G>A, p.Val320Met (NM_001351018.2); c.943G>A, p.Val315Met (NM_001351019.2); c.776-2542G>A (NM_001351020.2); short protein forms V331M, V315M, V320M.
Identifiers: ClinVar variation 2169800 (VCV002169800.2), dbSNP rs138934995, ClinGen allele CA6844455.

ClinVar aggregate classification (germline): Uncertain significance (1 of 4 stars; one submission).

Allele frequency attached by ClinVar (database versions not stated): ExAC 0.00002; gnomAD 0.00003; TOPMed 0.00003; gnomAD exomes 0.00004; ESP Exome Variant Server 0.00015.
gnomAD v4.1: 60 of 1,613,826 alleles (0.0037%); highest among the groups gnomAD compares: African/African-American, 0.011%; no homozygotes.

Submission:

Labcorp Genetics (formerly Invitae), Labcorp
Classification: Uncertain significance. Last evaluated: 2022-04-06. Review status: criteria provided, single submitter. Criteria: Invitae Variant Classification Sherloc (09022015). Collection method: clinical testing. Allele origin: germline.
Comment: This sequence change replaces valine, which is neutral and non-polar, with methionine, which is neutral and non-polar, at codon 331 of the VPS33A protein (p.Val331Met). This variant is present in population databases (rs138934995, gnomAD 0.02%). This variant has not been reported in the literature in individuals affected with VPS33A-related conditions. Algorithms developed to predict the effect of missense changes on protein structure and function are either unavailable or do not agree on the potential impact of this missense change (SIFT: "Deleterious"; PolyPhen-2: "Possibly Damaging"; Align-GVGD: "Class C0"). In summary, the available evidence is currently insufficient to determine the role of this variant in disease. Therefore, it has been classified as a Variant of Uncertain Significance.